The following is an entry in ClinVar:

NM_000051.4(ATM):c.3550G>A (p.Gly1184Arg)

Gene: ATM (ATM serine/threonine kinase; plus strand). Cytogenetic location: 11q22.3.
Variant type: single nucleotide variant.
Coding change: c.3550G>A on transcript NM_000051.4 (MANE Select); coding-DNA position 3550, G replaced by A.
Protein change: p.Gly1184Arg; replaces glycine 1184 with arginine.
Molecular consequence: missense variant.
Genome position (GRCh38, 1-based): chr11:108,281,142, G>A. VCF-style: chr11-108281142-G-A. GRCh37 (hg19) VCF-style: chr11-108151869-G-A.
Other names: c.3550G>A, p.Gly1184Arg (NM_001351834.2); short protein forms G1184R.
Identifiers: ClinVar variation 482685 (VCV000482685.8), dbSNP rs1555091402, ClinGen allele CA382520427.

ClinVar aggregate classification (germline): Conflicting classifications of pathogenicity. Review status: criteria provided, conflicting classifications (1 of 4 stars). 2 submissions from 2 submitters: Likely pathogenic (1); Uncertain significance (1). Last evaluated 2025-03-21.

Conditions:
Hereditary cancer-predisposing syndrome. Also called: Hereditary neoplastic syndrome; Neoplastic Syndromes, Hereditary; Tumor predisposition; Hereditary Cancer Syndrome. Identifiers: Orphanet 140162, MedGen C0027672, MeSH D009386, MONDO:0015356.
Ataxia-telangiectasia syndrome (AT). Also called: LOUIS-BAR SYNDROME; Cerebello-oculocutaneous telangiectasia; Immunodeficiency with ataxia telangiectasia; AT, COMPLEMENTATION GROUP C; Ataxia-telangiectasia, complementation group D; ATAXIA-TELANGIECTASIA, COMPLEMENTATION GROUP A. Identifiers: Orphanet 100, MedGen C0004135, MONDO:0008840, OMIM 208900.

Submissions (2):

Ambry Genetics
Classification: Uncertain significance for Hereditary cancer-predisposing syndrome. Last evaluated: 2025-03-21. Review status: criteria provided, single submitter. Criteria: Ambry Variant Classification Scheme 2023. Collection method: clinical testing. Allele origin: germline.
Comment: The p.G1184R variant (also known as c.3550G>A), located in coding exon 23 of the ATM gene, results from a G to A substitution at nucleotide position 3550. The glycine at codon 1184 is replaced by arginine, an amino acid with dissimilar properties. This amino acid position is well conserved in available vertebrate species. In addition, this alteration is predicted to be tolerated by in silico analysis. Since supporting evidence is limited at this time, the clinical significance of this alteration remains unclear.

Labcorp Genetics (formerly Invitae), Labcorp
Classification: Likely pathogenic for Ataxia-telangiectasia syndrome. Last evaluated: 2024-08-27. Review status: criteria provided, single submitter. Criteria: Invitae Variant Classification Sherloc (09022015). Collection method: clinical testing. Allele origin: germline.
Comment: This sequence change replaces glycine, which is neutral and non-polar, with arginine, which is basic and polar, at codon 1184 of the ATM protein (p.Gly1184Arg). RNA analysis indicates that this missense change induces altered splicing and may result in an absent or altered protein product. This variant is not present in population databases (gnomAD no frequency). This variant has not been reported in the literature in individuals affected with ATM-related conditions. ClinVar contains an entry for this variant (Variation ID: 482685). An algorithm developed to predict the effect of missense changes on protein structure and function (PolyPhen-2) suggests that this variant is likely to be tolerated. Studies have shown that this missense change results in skipping of exon 24, and produces a non-functional protein and/or introduces a premature termination codon (internal data). In summary, the currently available evidence indicates that the variant is pathogenic, but additional data are needed to prove that conclusively. Therefore, this variant has been classified as Likely Pathogenic.